The following is an entry in ClinVar:

ClinVar aggregate classification (germline): Uncertain significance (1 of 4 stars; one submission).

Allele frequency attached by ClinVar (database versions not stated): gnomAD exomes below 0.00001; TOPMed below 0.00001; gnomAD 0.00001.
gnomAD v4.1: 2 of 1,613,802 alleles (0.00012%); highest among the groups gnomAD compares: Non-Finnish European, 0.00017%; no homozygotes.

Submission:

GeneDx
Classification: Uncertain significance. Last evaluated: 2023-03-31. Review status: criteria provided, single submitter. Criteria: GeneDx Variant Classification Process June 2021. Collection method: clinical testing. Allele origin: germline. Affected: yes.
Comment: Not observed at significant frequency in large population cohorts (gnomAD); In silico analysis supports that this missense variant does not alter protein structure/function; Has not been previously published as pathogenic or benign to our knowledge

NM_052867.4(NALCN):c.132C>G (p.Ile44Met)

Gene: NALCN (sodium leak channel, non-selective; minus strand). Cytogenetic location: 13q33.1.
Variant type: single nucleotide variant.
Coding change: c.132C>G on transcript NM_052867.4 (MANE Select); coding-DNA position 132, C replaced by G.
Protein change: p.Ile44Met; replaces isoleucine 44 with methionine.
Molecular consequence: missense variant.
Genome position (GRCh38, 1-based): chr13:101,395,342, G>C on the plus strand (C>G on the coding strand, the complement: NALCN is on the minus strand). VCF-style: chr13-101395342-G-C. GRCh37 (hg19) VCF-style: chr13-102047693-G-C.
Other names: c.132C>G, p.Ile44Met (NM_001350748.2, NM_001350749.2, NM_001350750.2 and 1 more transcripts); short protein forms I44M.
Identifiers: ClinVar variation 2581867 (VCV002581867.1), dbSNP rs1282147524, ClinGen allele CA388707125.